The following is an entry in ClinVar:

ClinVar aggregate classification (germline): Uncertain significance. Review status: criteria provided, multiple submitters, no conflicts (2 of 4 stars). 2 submissions from 2 submitters: Uncertain significance (2). Last evaluated 2021-12-10.

Conditions:
Inborn genetic diseases. Identifiers: MedGen C0950123, MeSH D030342.

Allele frequency attached by ClinVar (database versions not stated): gnomAD exomes below 0.00001; gnomAD 0.00001; TOPMed 0.00001.
gnomAD v4.1: 8 of 1,610,948 alleles (0.0005%); highest among the groups gnomAD compares: African/African-American, 0.0013%; no homozygotes.

Submissions (2):

Labcorp Genetics (formerly Invitae), Labcorp
Classification: Uncertain significance. Last evaluated: 2021-12-10. Review status: criteria provided, single submitter. Criteria: Invitae Variant Classification Sherloc (09022015). Collection method: clinical testing. Allele origin: germline.
Comment: This variant is not present in population databases (gnomAD no frequency). This sequence change replaces alanine, which is neutral and non-polar, with serine, which is neutral and polar, at codon 64 of the WHRN protein (p.Ala64Ser). In summary, the available evidence is currently insufficient to determine the role of this variant in disease. Therefore, it has been classified as a Variant of Uncertain Significance. Algorithms developed to predict the effect of missense changes on protein structure and function are either unavailable or do not agree on the potential impact of this missense change (SIFT: "Tolerated"; PolyPhen-2: "Possibly Damaging"; Align-GVGD: "Class C0"). This variant has not been reported in the literature in individuals affected with WHRN-related conditions.

Ambry Genetics
Classification: Uncertain significance for Inborn genetic diseases. Last evaluated: 2021-07-14. Review status: criteria provided, single submitter. Criteria: Ambry Variant Classification Scheme 2023. Collection method: clinical testing. Allele origin: germline.

NM_015404.4(WHRN):c.190G>T (p.Ala64Ser)

Gene: WHRN (whirlin; minus strand). Cytogenetic location: 9q32.
Variant type: single nucleotide variant.
Coding change: c.190G>T on transcript NM_015404.4 (MANE Select); coding-DNA position 190, G replaced by T.
Protein change: p.Ala64Ser; replaces alanine 64 with serine.
Molecular consequence: missense variant.
Genome position (GRCh38, 1-based): chr9:114,504,612, C>A on the plus strand (G>T on the coding strand, the complement: WHRN is on the minus strand). VCF-style: chr9-114504612-C-A. GRCh37 (hg19) VCF-style: chr9-117266892-C-A.
Other names: c.190G>T, p.Ala64Ser (NM_001173425.2); c.190G>T (NM_015404.3); short protein forms A64S.
Identifiers: ClinVar variation 1403732 (VCV001403732.7), dbSNP rs1373938113, ClinGen allele CA374613775.